The following is an entry in ClinVar:

ClinVar aggregate classification (germline): Benign. Review status: criteria provided, multiple submitters, no conflicts (2 of 4 stars). 2 submissions from 2 submitters: Benign (2). Last evaluated 2018-01-12.

Conditions:
Hyperprolinemia type 2 (HYRPRO2). Also called: 1-PYRROLINE-5-CARBOXYLATE DEHYDROGENASE DEFICIENCY; Deficiency of pyrroline-5-carboxylate reductase; Delta-1-pyrroline-5-carboxylate dehydrogenase deficiency. Identifiers: Orphanet 79101, MedGen C2931835, MONDO:0009401, OMIM 239510.

Allele frequency attached by ClinVar (database versions not stated): 1000 Genomes Project 0.19349; 1000 Genomes Project 30x 0.19503; gnomAD exomes 0.21028; gnomAD 0.25006 and 0.25638; TOPMed 0.25258.
gnomAD v4.1: 38,218 of 152,444 alleles (25%); highest among the groups gnomAD compares: Middle Eastern, 30%; 4,995 homozygotes.

Submissions (2):

Illumina Laboratory Services, Illumina
Classification: Benign for Hyperprolinemia type 2. Last evaluated: 2018-01-12. Review status: criteria provided, single submitter. Criteria: ICSL Variant Classification Criteria 13 December 2019. Collection method: clinical testing. Allele origin: germline.
Comment: This variant was observed in the ICSL laboratory as part of a predisposition screen in an ostensibly healthy population. It had not been previously curated by ICSL or reported in the Human Gene Mutation Database (HGMD: prior to June 1st, 2018), and was therefore a candidate for classification through an automated scoring system. Utilizing variant allele frequency, disease prevalence and penetrance estimates, and inheritance mode, an automated score was calculated to assess if this variant is too frequent to cause the disease. Based on the score and internal cut-off values, a variant classified as benign is not then subjected to further curation. The score for this variant resulted in a classification of benign for this disease.

Breakthrough Genomics
Classification: Benign. Review status: criteria provided, single submitter. Criteria: ACMG Guidelines, 2015. Collection method: not provided. Allele origin: germline. Inheritance: Autosomal recessive inheritance. Affected: yes.

NM_003748.4(ALDH4A1):c.*712C>T

Gene: ALDH4A1 (aldehyde dehydrogenase 4 family member A1; minus strand). Cytogenetic location: 1p36.13.
Variant type: single nucleotide variant.
Coding change: c.*712C>T on transcript NM_003748.4 (MANE Select); 712 bases downstream of the stop codon, C replaced by T.
Molecular consequence: 3 prime UTR variant. On other transcripts: intron variant (1).
Genome position (GRCh38, 1-based): chr1:18,872,133, G>A on the plus strand (C>T on the coding strand, the complement: ALDH4A1 is on the minus strand). VCF-style: chr1-18872133-G-A. GRCh37 (hg19) VCF-style: chr1-19198627-G-A.
Other names: c.*712C>T (NM_001161504.2, NM_001319218.2); c.*42-343C>T (NM_170726.3).
Identifiers: ClinVar variation 294346 (VCV000294346.6), dbSNP rs14311, ClinGen allele CA10609106.